The following is an entry in ClinVar:

ClinVar aggregate classification (germline): Uncertain significance. Review status: criteria provided, single submitter (1 of 4 stars). 2 submissions from 2 submitters: Uncertain significance (1). 1 of the submissions does not count toward it. Last evaluated 2025-10-07.

Conditions:
ALK-related disorder. Also called: ALK-related condition.
Neuroblastoma, susceptibility to, 3. Also called: ALK-Related Neuroblastic Tumor Susceptibility. Identifiers: Orphanet 635, MedGen C2751681, MONDO:0013083, OMIM 613014.

Submissions (2):

Labcorp Genetics (formerly Invitae), Labcorp
Classification: Uncertain significance for Neuroblastoma, susceptibility to, 3. Last evaluated: 2025-10-07. Review status: criteria provided, single submitter. Criteria: Invitae Variant Classification Sherloc (09022015). Collection method: clinical testing. Allele origin: germline.
Comment: This sequence change affects a splice site in intron 1 of the ALK gene. It is expected to disrupt RNA splicing. Variants that disrupt the donor or acceptor splice site typically lead to a loss of protein function (PMID: 16199547), however the current clinical and genetic evidence is not sufficient to establish whether loss-of-function variants in ALK cause disease. This variant is not present in population databases (gnomAD no frequency). This variant has not been reported in the literature in individuals affected with ALK-related conditions. ClinVar contains an entry for this variant (Variation ID: 3345842). Experimental studies and prediction algorithms are not available or were not evaluated, and the functional significance of this variant is currently unknown. Variants that disrupt the consensus splice site are a relatively common cause of aberrant splicing (PMID: 17576681, 9536098). In summary, the available evidence is currently insufficient to determine the role of this variant in disease. Therefore, it has been classified as a Variant of Uncertain Significance.

PreventionGenetics, part of Exact Sciences
Classification: Uncertain significance for ALK-related condition. Last evaluated: 2024-07-24. Review status: no assertion criteria provided. Collection method: clinical testing. Allele origin: germline. Not counted in ClinVar's aggregate classification.
Comment: The ALK c.663_667+1dup6 variant is predicted to result in an intronic duplication. This variant is predicted to impact splicing at the consensus donor site based on splicing prediction programs (SpliceAI, Jaganathan K, et al. 2019. PubMed ID: 30661751). To our knowledge, this variant has not been reported in the literature or in a large population database, indicating this variant is rare. Loss of function variants in ALK are not an established mechanism of disease. At this time, the clinical significance of this variant is uncertain due to the absence of conclusive functional and genetic evidence.

Literature cited by the submitters: PubMed 16199547 (cited by Labcorp Genetics (formerly Invitae), Labcorp); PubMed 17576681 (cited by Labcorp Genetics (formerly Invitae), Labcorp); PubMed 9536098 (cited by Labcorp Genetics (formerly Invitae), Labcorp).

NM_004304.5(ALK):c.663_667+1dup

Gene: ALK (ALK receptor tyrosine kinase; minus strand). Cytogenetic location: 2p23.1.
Variant type: Duplication.
Coding change: c.663_667+1dup on transcript NM_004304.5 (MANE Select); coding-DNA position 663 through the canonical splice donor site of the intron after coding-DNA position 667, 6 bases duplicated (GACTGG; older notation c.663_667+1dupGACTGG).
Molecular consequence: splice donor variant.
Genome position (GRCh38, 1-based): chr2:29,919,992-29,919,997, CCAGTC duplicated on the plus strand (GACTGG on the coding strand, the reverse complement: ALK is on the minus strand); duplicating any 6 consecutive bases within chr2:29,919,992-29,919,999 gives the same sequence; the c. name uses the placement nearest the transcript's 3' end. VCF-style (leftmost placement, unchanged base first): chr2-29919991-A-ACCAGTC. GRCh37 (hg19) VCF-style: chr2-30142857-A-ACCAGTC.
Identifiers: ClinVar variation 3345842 (VCV003345842.2).